The following is an entry in ClinVar:

ClinVar aggregate classification (germline): Uncertain significance. Review status: criteria provided, multiple submitters, no conflicts (2 of 4 stars). 2 submissions from 2 submitters: Uncertain significance (2). Last evaluated 2025-06-04.

Conditions:
Autoimmune interstitial lung disease-arthritis syndrome. Also called: Autoinflammation and autoimmunity, systemic, with immune dysregulation. Identifiers: Orphanet 444092, MedGen C5975714, MONDO:0014629.
Inborn genetic diseases. Identifiers: MedGen C0950123, MeSH D030342.

Submissions (2):

Ambry Genetics
Classification: Uncertain significance for Inborn genetic diseases. Last evaluated: 2025-06-04. Review status: criteria provided, single submitter. Criteria: Ambry Variant Classification Scheme 2023. Collection method: clinical testing. Allele origin: germline.

Labcorp Genetics (formerly Invitae), Labcorp
Classification: Uncertain significance for Autoimmune interstitial lung disease-arthritis syndrome. Last evaluated: 2019-05-29. Review status: criteria provided, single submitter. Criteria: Invitae Variant Classification Sherloc (09022015). Collection method: clinical testing. Allele origin: germline.
Comment: This sequence change replaces glutamic acid with aspartic acid at codon 654 of the COPA protein (p.Glu654Asp). The glutamic acid residue is highly conserved and there is a small physicochemical difference between glutamic acid and aspartic acid. In summary, the available evidence is currently insufficient to determine the role of this variant in disease. Therefore, it has been classified as a Variant of Uncertain Significance. Algorithms developed to predict the effect of missense changes on protein structure and function are either unavailable or do not agree on the potential impact of this missense change (SIFT: "Deleterious"; PolyPhen-2: "Benign"; Align-GVGD: "Class C35"). This variant has not been reported in the literature in individuals with COPA-related conditions. This variant is not present in population databases (ExAC no frequency).

NM_004371.4(COPA):c.1962G>C (p.Glu654Asp)

Gene: COPA (coat protein complex I subunit alpha; minus strand). Cytogenetic location: 1q23.2.
Variant type: single nucleotide variant.
Coding change: c.1962G>C on transcript NM_004371.4 (MANE Select); coding-DNA position 1962, G replaced by C.
Protein change: p.Glu654Asp; replaces glutamic acid 654 with aspartic acid.
Molecular consequence: missense variant.
Genome position (GRCh38, 1-based): chr1:160,298,860, C>G on the plus strand (G>C on the coding strand, the complement: COPA is on the minus strand). VCF-style: chr1-160298860-C-G. GRCh37 (hg19) VCF-style: chr1-160268650-C-G.
Other names: c.1989G>C, p.Glu663Asp (NM_001098398.2); c.1989G>C (NM_001098398.1); short protein forms E654D, E663D.
Identifiers: ClinVar variation 950462 (VCV000950462.10), dbSNP rs932482882, ClinGen allele CA31536922.